The following is an entry in ClinVar:

ClinVar aggregate classification (germline): Likely benign (1 of 4 stars; one submission).

Submission:

GeneDx
Classification: Likely benign. Last evaluated: 2016-07-18. Review status: criteria provided, single submitter. Criteria: GeneDx Variant Classification (06012015). Collection method: clinical testing. Allele origin: germline. Affected: yes.
Comment: This variant is considered likely benign or benign based on one or more of the following criteria: it is a conservative change, it occurs at a poorly conserved position in the protein, it is predicted to be benign by multiple in silico algorithms, and/or has population frequency not consistent with disease.

NM_003242.6(TGFBR2):c.1525-11del

Gene: TGFBR2 (transforming growth factor beta receptor 2; plus strand). Cytogenetic location: 3p24.1.
Variant type: Deletion.
Coding change: c.1525-11del on transcript NM_003242.6 (MANE Select); 11 bases into the intron before coding-DNA position 1525, one base deleted (T; older notation c.1525-11delT).
Molecular consequence: intron variant.
Genome position (GRCh38, 1-based): chr3:30,691,409, T deleted; the last of 3 consecutive T bases (chr3:30,691,407-30,691,409); deleting any one gives the same sequence. VCF-style (leftmost placement, unchanged base first): chr3-30691406-CT-C. GRCh37 (hg19) VCF-style: chr3-30732898-CT-C.
Other names: c.1525-11delT (NM_003242.5); c.1528-11del (NM_001407129.1); c.1420-11del (NM_001407132.1, NM_001407136.1, NM_001407133.1 and 2 more transcripts); c.1708-11del (NM_001407126.1); c.1600-11del (NM_001024847.3); c.655-11del (NM_001407139.1); c.1240-11del (NM_001407137.1); c.1633-11del (NM_001407127.1); and 3 more.
Identifiers: ClinVar variation 421690 (VCV000421690.2), dbSNP rs1064795299, ClinGen allele CA16617867.
Genomic context (GRCh38, chr3:30,691,406, plus strand): 5'-AGGTCAGCAGGCCACCTTGCCTTCCGCGGAGCCCACCAACTCATGGTGCCCTTTGGATCT[CT>C]TTCCCGCTACAGGGCATCCAGATGGTGTGTGAGACGTTGACTGAGTGCTGGGACCACGAC-3'